The following is an entry in ClinVar:

ClinVar aggregate classification (germline): Likely pathogenic (1 of 4 stars; one submission).

Conditions:
Rhabdoid tumor predisposition syndrome 2 (RTPS2). Identifiers: Orphanet 231108, Orphanet 69077, MedGen C2750074, MONDO:0013224, OMIM 613325.

Submission:

Labcorp Genetics (formerly Invitae), Labcorp
Classification: Likely pathogenic for Rhabdoid tumor predisposition syndrome 2. Last evaluated: 2024-02-17. Review status: criteria provided, single submitter. Criteria: Invitae Variant Classification Sherloc (09022015). Collection method: clinical testing. Allele origin: germline.
Comment: This sequence change replaces tyrosine, which is neutral and polar, with phenylalanine, which is neutral and non-polar, at codon 732 of the SMARCA4 protein (p.Tyr732Phe). This variant is not present in population databases (gnomAD no frequency). This variant has not been reported in the literature in individuals affected with SMARCA4-related conditions. Advanced modeling of protein sequence and biophysical properties (such as structural, functional, and spatial information, amino acid conservation, physicochemical variation, residue mobility, and thermodynamic stability) performed at Invitae indicates that this missense variant is expected to disrupt SMARCA4 protein function with a positive predictive value of 95%. This variant disrupts the p.Tyr732 amino acid residue in SMARCA4. Other variant(s) that disrupt this residue have been determined to be pathogenic (PMID: 33223419). This suggests that this residue is clinically significant, and that variants that disrupt this residue are likely to be disease-causing. In summary, the currently available evidence indicates that the variant is pathogenic, but additional data are needed to prove that conclusively. Therefore, this variant has been classified as Likely Pathogenic.

Literature cited by the submitters: PubMed 33223419.

NM_003072.5(SMARCA4):c.2195A>T (p.Tyr732Phe)

Gene: SMARCA4 (SWI/SNF related BAF chromatin remodeling complex subunit ATPase 4; plus strand). Cytogenetic location: 19p13.2.
Variant type: single nucleotide variant.
Coding change: c.2195A>T on transcript NM_003072.5 (MANE Select); coding-DNA position 2195, A replaced by T.
Protein change: p.Tyr732Phe; replaces tyrosine 732 with phenylalanine.
Molecular consequence: missense variant. On other transcripts: non-coding transcript variant (1).
Genome position (GRCh38, 1-based): chr19:11,010,452, A>T. VCF-style: chr19-11010452-A-T. GRCh37 (hg19) VCF-style: chr19-11121128-A-T.
Other names: c.2195A>T, p.Tyr732Phe (NM_001128844.3, NM_001128845.2, NM_001128846.2 and 6 more transcripts); short protein forms Y732F.
Identifiers: ClinVar variation 3636864 (VCV003636864.2).